The following is an entry in ClinVar:

ClinVar aggregate classification (germline): Pathogenic (1 of 4 stars; one submission).

Submission:

Quest Diagnostics Nichols Institute San Juan Capistrano
Classification: Pathogenic. Last evaluated: 2026-06-05. Review status: criteria provided, single submitter. Criteria: ACMG/ClinGen CNV Guidelines, 2019. Collection method: clinical testing. Allele origin: unknown.
Comment: This copy number loss involves ZBTB18 (OMIM 608433), and is within the 1q43q44 terminal region (ISCA-37493). Haploinsufficiency of ZBTB18 is associated with autosomal dominant chromosome 1q43-q44 deletion syndrome and intellectual developmental disorder (CCID:008126; OMIM 612337). Thus, based on gene content and current medical literature, this copy number variant (CNV) is classified as pathogenic.

GRCh37/hg19 1q44(chr1:244206222-244452976)x1

Gene: ZBTB18 (zinc finger and BTB domain containing 18; plus strand). Cytogenetic location: 1q44.
Variant type: copy number loss.
Change: copy number 1 (one copy instead of two) of chr1:244,206,222-244,452,976 (246.8 kb, GRCh37 coordinates, 1-based), cytogenetic band 1q44.
Identifiers: ClinVar variation 565247 (VCV000565247.2).